The following is an entry in ClinVar:

ClinVar aggregate classification (germline): Uncertain significance. Review status: criteria provided, multiple submitters, no conflicts (2 of 4 stars). 2 submissions from 2 submitters: Uncertain significance (2). Last evaluated 2025-08-30.

Conditions:
Cowden syndrome 6 (CWS6). Identifiers: Orphanet 201, MedGen C3554519, MONDO:0014048, OMIM 615109.

gnomAD v4.1: 8 of 1,611,422 alleles (0.0005%); highest among the groups gnomAD compares: Non-Finnish European, 0.00068%; no homozygotes.

Submissions (2):

Labcorp Genetics (formerly Invitae), Labcorp
Classification: Uncertain significance for Cowden syndrome 6. Last evaluated: 2025-08-30. Review status: criteria provided, single submitter. Criteria: Invitae Variant Classification Sherloc (09022015). Collection method: clinical testing. Allele origin: germline.
Comment: This sequence change replaces methionine, which is neutral and non-polar, with lysine, which is basic and polar, at codon 458 of the AKT1 protein (p.Met458Lys). This variant is present in population databases (rs587778018, gnomAD 0.004%). This variant has not been reported in the literature in individuals affected with AKT1-related conditions. ClinVar contains an entry for this variant (Variation ID: 2039863). An algorithm developed to predict the effect of missense changes on protein structure and function (PolyPhen-2) suggests that this variant is likely to be tolerated. In summary, the available evidence is currently insufficient to determine the role of this variant in disease. Therefore, it has been classified as a Variant of Uncertain Significance.

CeGaT Center for Human Genetics Tuebingen
Classification: Uncertain significance. Last evaluated: 2022-05-01. Review status: criteria provided, single submitter. Criteria: CeGaT Center For Human Genetics Tuebingen Variant Classification Criteria Version 2. Collection method: clinical testing. Allele origin: germline. Affected: yes. Observed: 1 variant allele.
Comment: AKT1: PP2

NM_001382430.1(AKT1):c.1373T>A (p.Met458Lys)

Gene: AKT1 (AKT serine/threonine kinase 1; minus strand). Cytogenetic location: 14q32.33.
Variant type: single nucleotide variant.
Coding change: c.1373T>A on transcript NM_001382430.1 (MANE Select); coding-DNA position 1373, T replaced by A.
Protein change: p.Met458Lys; replaces methionine 458 with lysine.
Molecular consequence: missense variant.
Genome position (GRCh38, 1-based): chr14:104,770,411, A>T on the plus strand (T>A on the coding strand, the complement: AKT1 is on the minus strand). VCF-style: chr14-104770411-A-T. GRCh37 (hg19) VCF-style: chr14-105236748-A-T.
Other names: c.1373T>A, p.Met458Lys (NM_005163.2, NM_001014431.2, NM_001014432.2 and 3 more transcripts); short protein forms M458K.
Identifiers: ClinVar variation 2039863 (VCV002039863.28), dbSNP rs587778018, ClinGen allele CA7374447.